The following is an entry in ClinVar:

ClinVar aggregate classification (germline): Conflicting classifications of pathogenicity. Review status: criteria provided, conflicting classifications (1 of 4 stars). 3 submissions from 3 submitters: Uncertain significance (2); Likely benign (1). Last evaluated 2023-07-01.

Conditions:
Epilepsy, idiopathic generalized, susceptibility to, 13. Also called: EPILEPSY, JUVENILE MYOCLONIC, SUSCEPTIBILITY TO, 5. Identifiers: Orphanet 307, Orphanet 64280, MedGen C4013473, MONDO:0012627, OMIM 611136.

Allele frequency attached by ClinVar (database versions not stated): 1000 Genomes Project 0.00419; gnomAD 0.00463 and 0.00475; 1000 Genomes Project 30x 0.00468; TOPMed 0.00529.

Submissions (3):

CeGaT Center for Human Genetics Tuebingen
Classification: Likely benign. Last evaluated: 2023-07-01. Review status: criteria provided, single submitter. Criteria: CeGaT Center For Human Genetics Tuebingen Variant Classification Criteria Version 2. Collection method: clinical testing. Allele origin: germline. Affected: yes. Observed: 11 variant alleles.
Comment: GABRA1: BS2

Illumina Laboratory Services, Illumina
Classification: Uncertain significance for Epilepsy, idiopathic generalized, susceptibility to, 13. Last evaluated: 2018-01-13. Review status: criteria provided, single submitter. Criteria: ICSL Variant Classification Criteria 13 December 2019. Collection method: clinical testing. Allele origin: germline.

Breakthrough Genomics
Classification: Uncertain significance. Review status: criteria provided, single submitter. Criteria: ACMG Guidelines, 2015. Collection method: not provided. Allele origin: germline. Inheritance: Autosomal dominant inheritance. Affected: yes.

NM_001127644.2(GABRA1):c.*1381T>C

Gene: GABRA1 (gamma-aminobutyric acid type A receptor subunit alpha1; plus strand). Cytogenetic location: 5q34.
Variant type: single nucleotide variant.
Coding change: c.*1381T>C on transcript NM_001127644.2 (MANE Select); 1381 bases downstream of the stop codon, T replaced by C.
Molecular consequence: 3 prime UTR variant.
Genome position (GRCh38, 1-based): chr5:161,898,803, T>C. VCF-style: chr5-161898803-T-C. GRCh37 (hg19) VCF-style: chr5-161325809-T-C.
Other names: c.*1381T>C (NM_000806.5, NM_001127643.2, NM_001127645.2 and 1 more transcripts).
Identifiers: ClinVar variation 352612 (VCV000352612.37), dbSNP rs187522588, ClinGen allele CA10619911.